The following is an entry in ClinVar:

NM_001083961.2(WDR62):c.4311+5G>A

Gene: WDR62 (WD repeat domain 62; plus strand). Cytogenetic location: 19q13.12.
Variant type: single nucleotide variant.
Coding change: c.4311+5G>A on transcript NM_001083961.2 (MANE Select); 5 bases into the intron after coding-DNA position 4311, G replaced by A.
Molecular consequence: intron variant.
Genome position (GRCh38, 1-based): chr19:36,104,680, G>A. VCF-style: chr19-36104680-G-A. GRCh37 (hg19) VCF-style: chr19-36595582-G-A.
Other names: c.4296+5G>A (NM_173636.5).
Identifiers: ClinVar variation 2041140 (VCV002041140.4), dbSNP rs2513802301, ClinGen allele CA2580096869.
Genomic context (GRCh38, chr19:36,104,680, plus strand): 5'-ACATCTTGCACAGGCTGCAGACCACCTTCCAAGAAGCCCTCGACCTTTACCGTGTGGTGA[G>A]CTAAGCCCCAGAGTTGGGAAAGGGTTGAGGGGTCTCTTGAGACCGCCCGGCCTTGGTGGC-3'

ClinVar aggregate classification (germline): Uncertain significance (1 of 4 stars; one submission).

Allele frequency attached by ClinVar (database versions not stated): gnomAD exomes below 0.00001.
gnomAD v4.1: 2 of 1,614,084 alleles (0.00012%); highest among the groups gnomAD compares: Admixed American, 0.0017%; no homozygotes.

Submission:

Labcorp Genetics (formerly Invitae), Labcorp
Classification: Uncertain significance. Last evaluated: 2022-07-09. Review status: criteria provided, single submitter. Criteria: Invitae Variant Classification Sherloc (09022015). Collection method: clinical testing. Allele origin: germline.
Comment: In summary, the available evidence is currently insufficient to determine the role of this variant in disease. Therefore, it has been classified as a Variant of Uncertain Significance. Variants that disrupt the consensus splice site are a relatively common cause of aberrant splicing (PMID: 17576681, 9536098). Algorithms developed to predict the effect of sequence changes on RNA splicing suggest that this variant may disrupt the consensus splice site. This variant has not been reported in the literature in individuals affected with WDR62-related conditions. This variant is not present in population databases (gnomAD no frequency). This sequence change falls in intron 31 of the WDR62 gene. It does not directly change the encoded amino acid sequence of the WDR62 protein. It affects a nucleotide within the consensus splice site.

Literature cited by the submitters: PubMed 17576681; PubMed 9536098.